The following is an entry in ClinVar:

ClinVar aggregate classification (germline): Uncertain significance (1 of 4 stars; one submission).

Allele frequency attached by ClinVar (database versions not stated): gnomAD exomes 0.00001 and 0.00005; TOPMed 0.00002; gnomAD 0.00003.
gnomAD v4.1: 71 of 1,613,362 alleles (0.0044%); highest among the groups gnomAD compares: Middle Eastern, 0.41%; no homozygotes.

Submission:

Labcorp Genetics (formerly Invitae), Labcorp
Classification: Uncertain significance. Last evaluated: 2025-08-04. Review status: criteria provided, single submitter. Criteria: Invitae Variant Classification Sherloc (09022015). Collection method: clinical testing. Allele origin: germline.
Comment: This sequence change replaces alanine, which is neutral and non-polar, with glycine, which is neutral and non-polar, at codon 1735 of the VCAN protein (p.Ala1735Gly). This variant is present in population databases (no rsID available, gnomAD 0.002%). This variant has not been reported in the literature in individuals affected with VCAN-related conditions. ClinVar contains an entry for this variant (Variation ID: 1035713). An algorithm developed to predict the effect of missense changes on protein structure and function outputs the following: PolyPhen-2: "Benign". The glycine amino acid residue is found in multiple mammalian species, which suggests that this missense change does not adversely affect protein function. In summary, the available evidence is currently insufficient to determine the role of this variant in disease. Therefore, it has been classified as a Variant of Uncertain Significance.

NM_004385.5(VCAN):c.5204C>G (p.Ala1735Gly)

Genes: VCAN (versican; plus strand), VCAN-AS1 (VCAN antisense RNA 1; minus strand). Cytogenetic location: 5q14.3.
Variant type: single nucleotide variant.
Coding change: c.5204C>G on transcript NM_004385.5 (MANE Select); coding-DNA position 5204, C replaced by G.
Protein change: p.Ala1735Gly; replaces alanine 1735 with glycine.
Molecular consequence: missense variant. On other transcripts: intron variant (2).
Genome position (GRCh38, 1-based): chr5:83,538,207, C>G. VCF-style: chr5-83538207-C-G. GRCh37 (hg19) VCF-style: chr5-82834026-C-G.
Other names: c.2243C>G, p.Ala748Gly (NM_001164097.2); c.4004-7330C>G (NM_001164098.2); c.1043-7330C>G (NM_001126336.3); short protein forms A1735G, A748G.
Identifiers: ClinVar variation 1035713 (VCV001035713.8), dbSNP rs867077629, ClinGen allele CA121809280.
Genomic context (GRCh38, chr5:83,538,207, plus strand): 5'-TTTCCAGTACCACTGTTGAGGAAAAGAAAAGGAAGGAGGAGGAGGGAACTACAGGTACGG[C>G]TTCTACATTTGAGGTATATTCATCTACACAGAGATCGGATCAATTAATTTTACCCTTTGA-3'
Protein context (NP_004376.2, residues 1725-1745): RKEEEGTTGT[Ala1735Gly]STFEVYSSTQ